The following is an entry in ClinVar:

NM_000169.3(GLA):c.1175G>C (p.Arg392Thr)

Genes: RPL36A-HNRNPH2 (RPL36A-HNRNPH2 readthrough; plus strand), GLA (galactosidase alpha; minus strand). Cytogenetic location: Xq22.1.
Variant type: single nucleotide variant.
Coding change: c.1175G>C on transcript NM_000169.3 (MANE Select); coding-DNA position 1175, G replaced by C.
Protein change: p.Arg392Thr; replaces arginine 392 with threonine.
Molecular consequence: missense variant. On other transcripts: non-coding transcript variant (3), intron variant (2).
Genome position (GRCh38, 1-based): chrX:101,397,924, C>G on the plus strand (G>C on the coding strand, the complement: GLA is on the minus strand). VCF-style: chrX-101397924-C-G. GRCh37 (hg19) VCF-style: chrX-100652912-C-G.
Other names: c.1298G>C, p.Arg433Thr (NM_001406747.1); c.300+2467C>G (NM_001199973.2); c.177+6102C>G (NM_001199974.2); short protein forms R392T, R433T.
Identifiers: ClinVar variation 524212 (VCV000524212.8), dbSNP rs782756052, ClinGen allele CA029710.
Genomic context (GRCh38, chrX:101,397,924, plus strand): 5'-GTGCCTGTGGGATTTATGTGACTTCTTAACCTTGAAGTCCATTCATAGAACCCTAGCTTC[C>G]TTTTCACAGGGAGGAGCTGTGTGATGAAGCAGGCAGGATTACAGGCCACTCCTTTACCCA-3'
Protein context (NP_000160.1, residues 382-402): CFITQLLPVK[Arg392Thr]KLGFYEWTSR

ClinVar aggregate classification (germline): Uncertain significance. Review status: criteria provided, multiple submitters, no conflicts (2 of 4 stars). 3 submissions from 3 submitters: Uncertain significance (3). Last evaluated 2024-05-14.

Conditions:
Fabry disease. Also called: Fabry's disease; Angiokeratoma corporis diffusum; ALPHA-GALACTOSIDASE A DEFICIENCY; ANDERSON-FABRY DISEASE; CERAMIDE TRIHEXOSIDASE DEFICIENCY; GLA DEFICIENCY. Identifiers: Orphanet 324, MedGen C0002986, MONDO:0010526, OMIM 301500, HP:0001071. Disease mechanism: loss of function, Fabry disease is due to inactivating mutations in the X-linked GLA gene resulting in deficiency of the enzyme Alpha Galactosidase-A..

Allele frequency attached by ClinVar (database versions not stated): gnomAD exomes 0.00001 and 0.00003; ExAC 0.00003.
gnomAD v4.1: 7 of 1,211,048 alleles (0.00058%); highest among the groups gnomAD compares: South Asian, 0.0088%; no homozygotes.

Submissions (3):

All of Us Research Program, National Institutes of Health
Classification: Uncertain significance for Fabry disease. Last evaluated: 2024-05-14. Review status: criteria provided, single submitter. Criteria: ACMG Guidelines, 2015. Collection method: clinical testing. Allele origin: germline. Inheritance: X-linked inheritance. Observed: 1 variant allele, 1 heterozygote.
Comment: This missense variant replaces arginine with threonine at codon 392 of the GLA protein. Computational prediction tools indicate that this variant has a neutral impact on protein structure and function. To our knowledge, functional studies have not been reported for this variant. This variant has been reported in one individual affected with hypertrophic cardiomyopathy (PMID: 32815737). This variant has been identified in 5/183469 chromosomes in the general population by the Genome Aggregation Database (gnomAD). The available evidence is insufficient to determine the role of this variant in disease conclusively. Therefore, this variant is classified as a Variant of Uncertain Significance.

This study involves interpretation of variants in research participants for the purpose of population health screening. Participant phenotype was not available at the time of variant classification. Additional details can be found in publication PMID: 35346344, PMCID: PMC8962531

Color Diagnostics, LLC DBA Color Health
Classification: Uncertain significance for Fabry disease. Last evaluated: 2024-04-25. Review status: criteria provided, single submitter. Criteria: ACMG Guidelines, 2015. Collection method: clinical testing. Allele origin: germline.
Comment: This missense variant replaces arginine with threonine at codon 392 of the GLA protein. Computational prediction tools indicate that this variant has a neutral impact on protein structure and function. To our knowledge, functional studies have not been reported for this variant. This variant has been reported in one individual affected with hypertrophic cardiomyopathy (PMID: 32815737). This variant has been identified in 5/183469 chromosomes in the general population by the Genome Aggregation Database (gnomAD). The available evidence is insufficient to determine the role of this variant in disease conclusively. Therefore, this variant is classified as a Variant of Uncertain Significance.

Labcorp Genetics (formerly Invitae), Labcorp
Classification: Uncertain significance for Fabry disease. Last evaluated: 2022-12-22. Review status: criteria provided, single submitter. Criteria: Invitae Variant Classification Sherloc (09022015). Collection method: clinical testing. Allele origin: germline.
Comment: This sequence change replaces arginine, which is basic and polar, with threonine, which is neutral and polar, at codon 392 of the GLA protein (p.Arg392Thr). In summary, the available evidence is currently insufficient to determine the role of this variant in disease. Therefore, it has been classified as a Variant of Uncertain Significance. Advanced modeling of protein sequence and biophysical properties (such as structural, functional, and spatial information, amino acid conservation, physicochemical variation, residue mobility, and thermodynamic stability) performed at Invitae indicates that this missense variant is not expected to disrupt GLA protein function. ClinVar contains an entry for this variant (Variation ID: 524212). This variant has not been reported in the literature in individuals affected with GLA-related conditions. This variant is present in population databases (rs782756052, gnomAD 0.03%).

Literature cited by the submitters: PubMed 32815737 (cited by All of Us Research Program, National Institutes of Health and Color Diagnostics, LLC DBA Color Health).